The following is an entry in ClinVar:

NM_003896.4(ST3GAL5):c.10A>T (p.Lys4Ter)

Genes: ST3GAL5 (ST3 beta-galactoside alpha-2,3-sialyltransferase 5; minus strand), LOC129934236 (ATAC-STARR-seq lymphoblastoid silent region 11709; plus strand). Cytogenetic location: 2p11.2.
Variant type: single nucleotide variant.
Coding change: c.10A>T on transcript NM_003896.4 (MANE Select); coding-DNA position 10, A replaced by T.
Protein change: p.Lys4Ter; replaces lysine 4 with a stop codon.
Molecular consequence: nonsense. On other transcripts: 5 prime UTR variant (6).
Genome position (GRCh38, 1-based): chr2:85,888,896, T>A on the plus strand (A>T on the coding strand, the complement: ST3GAL5 is on the minus strand). VCF-style: chr2-85888896-T-A. GRCh37 (hg19) VCF-style: chr2-86116019-T-A.
Other names: c.-953A>T (NM_001354223.2); c.-615A>T (NM_001354224.2); c.-552A>T (NM_001354226.2); c.-262A>T (NM_001354227.2); c.-206A>T (NM_001354229.2); c.-992A>T (NM_001354233.2); c.10A>T, p.Lys4Ter (NM_001363847.1); short protein forms K4*.
Identifiers: ClinVar variation 2699279 (VCV002699279.3), dbSNP rs2467352953, ClinGen allele CA347536201.
Genomic context (GRCh38, chr2:85,888,896, plus strand): 5'-GTGCCGCCGCTGCCTCGGTCCGCGGCTGCAGGGGACGCCGCTCCGCGCAGCCCGCCGCCT[T>A]CGTCCGCATACTAATGAGGGGGCGCCGGCCGGCCGCCAGCCCGGTACCCCGCGCCCCCAC-3'

ClinVar aggregate classification (germline): Pathogenic (1 of 4 stars; one submission).

Conditions:
GM3 synthase deficiency (SPDRS). Also called: AMISH INFANTILE EPILEPSY SYNDROME; SALT AND PEPPER MENTAL RETARDATION SYNDROME; SALT AND PEPPER DEVELOPMENTAL REGRESSION SYNDROME. Identifiers: Orphanet 171714, Orphanet 370933, MedGen C1836824, MONDO:0018274, OMIM 609056.

Submission:

Labcorp Genetics (formerly Invitae), Labcorp
Classification: Pathogenic for GM3 synthase deficiency. Last evaluated: 2023-06-09. Review status: criteria provided, single submitter. Criteria: Invitae Variant Classification Sherloc (09022015). Collection method: clinical testing. Allele origin: germline.
Comment: This sequence change creates a premature translational stop signal (p.Lys4*) in the ST3GAL5 gene. It is expected to result in an absent or disrupted protein product. Loss-of-function variants in ST3GAL5 are known to be pathogenic (PMID: 15502825, 22990144, 27232954). This variant is not present in population databases (gnomAD no frequency). This variant has not been reported in the literature in individuals affected with ST3GAL5-related conditions. For these reasons, this variant has been classified as Pathogenic.

Literature cited by the submitters: PubMed 15502825; PubMed 22990144; PubMed 27232954.